The following is an entry in ClinVar:

ClinVar aggregate classification (germline): Likely benign. Review status: criteria provided, multiple submitters, no conflicts (2 of 4 stars). 2 submissions from 2 submitters: Likely benign (2). Last evaluated 2026-08-01.

Allele frequency attached by ClinVar (database versions not stated): gnomAD exomes below 0.00001 and 0.00009; gnomAD 0.00003 and 0.00004; TOPMed 0.00003.
gnomAD v4.1: 136 of 1,614,074 alleles (0.0084%); highest among the groups gnomAD compares: Non-Finnish European, 0.01%; no homozygotes.

Submissions (2):

CeGaT Center for Human Genetics Tuebingen
Classification: Likely benign. Last evaluated: 2026-08-01. Review status: criteria provided, single submitter. Criteria: CeGaT Center For Human Genetics Tuebingen Variant Classification Criteria Version 2. Collection method: clinical testing. Allele origin: germline. Affected: yes. Observed: 1 variant allele.
Comment: JAK1: BP4, BP7

Labcorp Genetics (formerly Invitae), Labcorp
Classification: Likely benign. Last evaluated: 2026-01-27. Review status: criteria provided, single submitter. Criteria: Invitae Variant Classification Sherloc (09022015). Collection method: clinical testing. Allele origin: germline.

NM_002227.4(JAK1):c.453T>C (p.Asp151=)

Gene: JAK1 (Janus kinase 1; minus strand). Cytogenetic location: 1p31.3.
Variant type: single nucleotide variant.
Coding change: c.453T>C on transcript NM_002227.4 (MANE Select); coding-DNA position 453, T replaced by C.
Protein change: p.Asp151=; no amino-acid change (aspartic acid 151 retained).
Molecular consequence: synonymous variant.
Genome position (GRCh38, 1-based): chr1:64,873,400, A>G on the plus strand (T>C on the coding strand, the complement: JAK1 is on the minus strand). VCF-style: chr1-64873400-A-G. GRCh37 (hg19) VCF-style: chr1-65339083-A-G.
Other names: c.453T>C, p.Asp151= (NM_001320923.2, NM_001321852.2, NM_001321853.2 and 4 more transcripts).
Identifiers: ClinVar variation 1626921 (VCV001626921.9), dbSNP rs1005121605, ClinGen allele CA23922920.
Genomic context (GRCh38, chr1:64,873,400, plus strand): 5'-TCCAGCTTCTCCTGGGCCCAAACTTCCTACCTGAGCAAACAGATACTCCAGTGAGCTGGC[A>G]TCAAGGAGAGGGGTTGCATCTGGAATCTTTTTTTTCTCGTAGCCATTTTTCTGCTTCTTT-3'
Protein context (NP_002218.2, residues 141-161): KKIPDATPLL[Asp151=]ASSLEYLFAQ